The following is an entry in ClinVar:

NM_001348800.3(ZBTB20):c.1672C>A (p.Gln558Lys)

Gene: ZBTB20 (zinc finger and BTB domain containing 20; minus strand). Cytogenetic location: 3q13.31.
Variant type: single nucleotide variant.
Coding change: c.1672C>A on transcript NM_001348800.3 (MANE Select); coding-DNA position 1672, C replaced by A.
Protein change: p.Gln558Lys; replaces glutamine 558 with lysine.
Molecular consequence: missense variant.
Genome position (GRCh38, 1-based): chr3:114,350,406, G>T on the plus strand (C>A on the coding strand, the complement: ZBTB20 is on the minus strand). VCF-style: chr3-114350406-G-T. GRCh37 (hg19) VCF-style: chr3-114069253-G-T.
Other names: c.1672C>A, p.Gln558Lys (NM_001164342.2, NM_001348803.3, NM_001393393.1 and 1 more transcripts); c.1453C>A, p.Gln485Lys (NM_001164343.2, NM_001164344.4, NM_001164345.4 and 9 more transcripts); short protein forms Q485K, Q558K.
Identifiers: ClinVar variation 1695872 (VCV001695872.2), dbSNP rs866104928, ClinGen allele CA81667454.

ClinVar aggregate classification (germline): Uncertain significance (1 of 4 stars; one submission).

Submission:

GeneDx
Classification: Uncertain significance. Last evaluated: 2022-01-07. Review status: criteria provided, single submitter. Criteria: GeneDx Variant Classification Process June 2021. Collection method: clinical testing. Allele origin: germline. Affected: yes.
Comment: Not observed at significant frequency in large population cohorts (gnomAD); In silico analysis supports that this missense variant does not alter protein structure/function; Has not been previously published as pathogenic or benign to our knowledge